The following is an entry in ClinVar:

NM_153704.6(TMEM67):c.1446C>T (p.Asn482=)

Gene: TMEM67 (transmembrane protein 67; plus strand). Cytogenetic location: 8q22.1.
Variant type: single nucleotide variant.
Coding change: c.1446C>T on transcript NM_153704.6 (MANE Select); coding-DNA position 1446, C replaced by T.
Protein change: p.Asn482=; no amino-acid change (asparagine 482 retained).
Molecular consequence: synonymous variant. On other transcripts: non-coding transcript variant (1).
Genome position (GRCh38, 1-based): chr8:93,787,877, C>T. VCF-style: chr8-93787877-C-T. GRCh37 (hg19) VCF-style: chr8-94800105-C-T.
Other names: c.1203C>T, p.Asn401= (NM_001142301.1).
Identifiers: ClinVar variation 363920 (VCV000363920.26), dbSNP rs774288177, ClinGen allele CA4807976.

ClinVar aggregate classification (germline): Conflicting classifications of pathogenicity. Review status: criteria provided, conflicting classifications (1 of 4 stars). 7 submissions from 5 submitters: Uncertain significance (3); Likely benign (3). 1 of the submissions does not count toward it. Last evaluated 2026-01-24.

Conditions:
Nephronophthisis 11 (NPHP11). Identifiers: Orphanet 84081, MedGen C3150796, MONDO:0013302, OMIM 613550.
Meckel syndrome, type 3 (MKS3). Also called: MECKEL-GRUBER SYNDROME, TYPE 3. Identifiers: Orphanet 564, MedGen C1846357, MONDO:0011821, OMIM 607361.
Joubert syndrome 6 (JBTS6). Identifiers: Orphanet 475, MedGen C1853153, MONDO:0012539, OMIM 610688.
TMEM67-related disorder. Also called: TMEM67-related condition; TMEM67-related disorders. Identifiers: MedGen CN239423.
Meckel-Gruber syndrome. Also called: DYSENCEPHALIA SPLANCHNOCYSTICA; GRUBER SYNDROME; Dysencephalia splachnocystica. Identifiers: Orphanet 564, MedGen C0265215, MONDO:0018921.
Joubert syndrome. Also called: JOUBERT-BOLTSHAUSER SYNDROME; Familial aplasia of the vermis. Identifiers: Orphanet 475, MedGen C5979921, MONDO:0018772.

Allele frequency attached by ClinVar (database versions not stated): gnomAD exomes 0.00003 and 0.00009; ExAC 0.00004; gnomAD 0.00004; TOPMed 0.00004.
gnomAD v4.1: 134 of 1,613,810 alleles (0.0083%); highest among the groups gnomAD compares: Non-Finnish European, 0.011%; no homozygotes.

Submissions (7):

Labcorp Genetics (formerly Invitae), Labcorp
Classification: Likely benign for Joubert syndrome; Meckel-Gruber syndrome. Last evaluated: 2026-01-24. Review status: criteria provided, single submitter. Criteria: Invitae Variant Classification Sherloc (09022015). Collection method: clinical testing. Allele origin: germline.

CeGaT Center for Human Genetics Tuebingen
Classification: Likely benign. Last evaluated: 2025-12-01. Review status: criteria provided, single submitter. Criteria: CeGaT Center For Human Genetics Tuebingen Variant Classification Criteria Version 2. Collection method: clinical testing. Allele origin: germline. Affected: yes. Observed: 1 variant allele.
Comment: TMEM67: BP4, BP7

Blueprint Genetics
Classification: Likely benign. Last evaluated: 2024-07-09. Review status: criteria provided, single submitter. Criteria: ACMG Guidelines, 2015. Collection method: clinical testing. Allele origin: germline.

Illumina Laboratory Services, Illumina
Classification: Uncertain significance for Nephronophthisis 11. Last evaluated: 2018-01-12. Review status: criteria provided, single submitter. Criteria: ICSL Variant Classification Criteria 13 December 2019. Collection method: clinical testing. Allele origin: germline.

Illumina Laboratory Services, Illumina
Classification: Uncertain significance for Meckel syndrome, type 3. Last evaluated: 2018-01-12. Review status: criteria provided, single submitter. Criteria: ICSL Variant Classification Criteria 13 December 2019. Collection method: clinical testing. Allele origin: germline.

Illumina Laboratory Services, Illumina
Classification: Uncertain significance for Joubert syndrome 6. Last evaluated: 2018-01-12. Review status: criteria provided, single submitter. Criteria: ICSL Variant Classification Criteria 13 December 2019. Collection method: clinical testing. Allele origin: germline.

PreventionGenetics, part of Exact Sciences
Classification: Likely benign for TMEM67-related condition. Last evaluated: 2024-09-04. Review status: no assertion criteria provided. Collection method: clinical testing. Allele origin: germline. Not counted in ClinVar's aggregate classification.
Comment: This variant is classified as likely benign based on ACMG/AMP sequence variant interpretation guidelines (Richards et al. 2015 PMID: 25741868, with internal and published modifications).